The following is an entry in ClinVar:

ClinVar aggregate classification (germline): Uncertain significance. Review status: criteria provided, multiple submitters, no conflicts (2 of 4 stars). 3 submissions from 3 submitters: Uncertain significance (3). Last evaluated 2024-11-26.

Conditions:
SMARCB1-related schwannomatosis. Also called: SWNTS1; Schwannomatosis 1. Identifiers: Orphanet 93921, MedGen C4048809, MONDO:0024517, OMIM 162091. Disease mechanism: loss of function.
Intellectual disability, autosomal dominant 15 (CSS3). Also called: COFFIN-SIRIS SYNDROME 3. Identifiers: Orphanet 1465, MedGen C3553248, MONDO:0013820, OMIM 614608.
Rhabdoid tumor predisposition syndrome 1 (RTPS1). Also called: Familial Posterior Fossa Brain Tumor of Infancy. Identifiers: Orphanet 231108, Orphanet 69077, MedGen C1836327, MONDO:0012252, OMIM 609322.
Hereditary cancer-predisposing syndrome. Also called: Hereditary Cancer Syndrome; Hereditary neoplastic syndrome; Neoplastic Syndromes, Hereditary; Tumor predisposition. Identifiers: Orphanet 140162, MedGen C0027672, MeSH D009386, MONDO:0015356.

Allele frequency attached by ClinVar (database versions not stated): gnomAD exomes below 0.00001.
gnomAD v4.1: 5 of 1,613,968 alleles (0.00031%); highest among the groups gnomAD compares: Non-Finnish European, 0.00042%; no homozygotes.

Submissions (3):

Ambry Genetics
Classification: Uncertain significance for Hereditary cancer-predisposing syndrome. Last evaluated: 2024-11-26. Review status: criteria provided, single submitter. Criteria: Ambry Variant Classification Scheme 2023. Collection method: clinical testing. Allele origin: germline.
Comment: The p.P230L variant (also known as c.689C>T), located in coding exon 6 of the SMARCB1 gene, results from a C to T substitution at nucleotide position 689. The proline at codon 230 is replaced by leucine, an amino acid with similar properties. This amino acid position is highly conserved in available vertebrate species. In addition, the in silico prediction for this alteration is inconclusive. This variant was detected in multiple individuals with no reported features of Coffin-Siris syndrome (Ambry internal data). Based on the supporting evidence, the association of this alteration with SMARCB1-related tumor predisposition syndrome is unknown; however, the association of this alteration with Coffin-Siris syndrome is unlikely.

Labcorp Genetics (formerly Invitae), Labcorp
Classification: Uncertain significance. Last evaluated: 2024-09-18. Review status: criteria provided, single submitter. Criteria: Invitae Variant Classification Sherloc (09022015). Collection method: clinical testing. Allele origin: germline.
Comment: This sequence change replaces proline, which is neutral and non-polar, with leucine, which is neutral and non-polar, at codon 230 of the SMARCB1 protein (p.Pro230Leu). This variant is not present in population databases (gnomAD no frequency). This variant has not been reported in the literature in individuals affected with SMARCB1-related conditions. ClinVar contains an entry for this variant (Variation ID: 1449813). Invitae Evidence Modeling of protein sequence and biophysical properties (such as structural, functional, and spatial information, amino acid conservation, physicochemical variation, residue mobility, and thermodynamic stability) indicates that this missense variant is not expected to disrupt SMARCB1 protein function with a negative predictive value of 80%. In summary, the available evidence is currently insufficient to determine the role of this variant in disease. Therefore, it has been classified as a Variant of Uncertain Significance.

Department of Pathology and Laboratory Medicine, Sinai Health System
Classification: Uncertain significance for SMARCB1-related schwannomatosis; Rhabdoid tumor predisposition syndrome 1; Intellectual disability, autosomal dominant 15. Last evaluated: 2022-07-26. Review status: criteria provided, single submitter. Criteria: ACMG Guidelines, 2015. Collection method: clinical testing. Allele origin: germline. Affected: no.

NM_003073.5(SMARCB1):c.689C>T (p.Pro230Leu)

Gene: SMARCB1 (SWI/SNF related BAF chromatin remodeling complex subunit B1; plus strand). Cytogenetic location: 22q11.23.
Variant type: single nucleotide variant.
Coding change: c.689C>T on transcript NM_003073.5 (MANE Select); coding-DNA position 689, C replaced by T.
Protein change: p.Pro230Leu; replaces proline 230 with leucine.
Molecular consequence: missense variant.
Genome position (GRCh38, 1-based): chr22:23,816,830, C>T. VCF-style: chr22-23816830-C-T. GRCh37 (hg19) VCF-style: chr22-24159017-C-T.
Other names: c.689C>T (NM_003073.3); c.662C>T, p.Pro221Leu (NM_001007468.3); c.716C>T, p.Pro239Leu (NM_001317946.2); c.743C>T, p.Pro248Leu (NM_001362877.2); short protein forms P221L, P230L, P248L, P239L.
Identifiers: ClinVar variation 1449813 (VCV001449813.9), dbSNP rs2146009762, ClinGen allele CA410901359.
Genomic context (GRCh38, chr22:23,816,830, plus strand): 5'-AGAAGTTGATGACGCCTGAGATGTTTTCAGAAATCCTCTGTGACGATCTGGATTTGAACC[C>T]GCTGACGTTTGTGCCAGCCATCGCCTCTGCCATCAGACAGCAGATCGAGTCCTACCCCAC-3'
Protein context (NP_003064.2, residues 220-240): EILCDDLDLN[Pro230Leu]LTFVPAIASA